The following is an entry in ClinVar:

ClinVar aggregate classification (germline): Conflicting classifications of pathogenicity. Review status: criteria provided, conflicting classifications (1 of 4 stars). 2 submissions from 2 submitters: Uncertain significance (1); Likely benign (1). Last evaluated 2025-03-03.

Allele frequency attached by ClinVar (database versions not stated): gnomAD exomes below 0.00001; gnomAD 0.00001; TOPMed 0.00001.
gnomAD v4.1: 4 of 1,612,904 alleles (0.00025%); highest among the groups gnomAD compares: Admixed American, 0.0033%; no homozygotes.

Submissions (2):

Athena Diagnostics
Classification: Uncertain significance. Last evaluated: 2025-03-03. Review status: criteria provided, single submitter. Criteria: Athena Diagnostics Criteria. Collection method: clinical testing. Allele origin: unknown.
Comment: Available data are insufficient to determine the clinical significance of the variant at this time. The frequency of this variant in the general population is uninformative in assessment of its pathogenicity. Computational tools yielded predictions that this variant is unlikely to have an effect on normal RNA splicing.

GeneDx
Classification: Likely benign. Last evaluated: 2017-10-26. Review status: criteria provided, single submitter. Criteria: GeneDx Variant Classification (06012015). Collection method: clinical testing. Allele origin: germline. Affected: yes.
Comment: This variant is considered likely benign or benign based on one or more of the following criteria: it is a conservative change, it occurs at a poorly conserved position in the protein, it is predicted to be benign by multiple in silico algorithms, and/or has population frequency not consistent with disease.

NM_177550.5(SLC13A5):c.402C>T (p.Leu134=)

Gene: SLC13A5 (solute carrier family 13 member 5; minus strand). Cytogenetic location: 17p13.1.
Variant type: single nucleotide variant.
Coding change: c.402C>T on transcript NM_177550.5 (MANE Select); coding-DNA position 402, C replaced by T.
Protein change: p.Leu134=; no amino-acid change (leucine 134 retained).
Molecular consequence: synonymous variant. On other transcripts: intron variant (1).
Genome position (GRCh38, 1-based): chr17:6,704,023, G>A on the plus strand (C>T on the coding strand, the complement: SLC13A5 is on the minus strand). VCF-style: chr17-6704023-G-A. GRCh37 (hg19) VCF-style: chr17-6607342-G-A.
Other names: c.402C>T, p.Leu134= (NM_001143838.3); c.273C>T, p.Leu91= (NM_001284510.2); c.369-18C>T (NM_001284509.2).
Identifiers: ClinVar variation 512900 (VCV000512900.3), dbSNP rs1336828226, ClinGen allele CA497596632.